The following is an entry in ClinVar:

NM_206926.2(SELENON):c.1646G>A (p.Arg549His)

Gene: SELENON (selenoprotein N; plus strand). Cytogenetic location: 1p36.11.
Variant type: single nucleotide variant.
Coding change: c.1646G>A on transcript NM_206926.2 (MANE Select); coding-DNA position 1646, G replaced by A.
Protein change: p.Arg549His; replaces arginine 549 with histidine.
Molecular consequence: missense variant.
Genome position (GRCh38, 1-based): chr1:25,815,693, G>A. VCF-style: chr1-25815693-G-A. GRCh37 (hg19) VCF-style: chr1-26142184-G-A.
Other names: c.1748G>A, p.Arg583His (NM_020451.3); c.1748G>A (NM_020451.2); short protein forms R549H, R583H.
Identifiers: ClinVar variation 1014001 (VCV001014001.8), dbSNP rs771563318, ClinGen allele CA696982.

ClinVar aggregate classification (germline): Uncertain significance. Review status: criteria provided, multiple submitters, no conflicts (2 of 4 stars). 2 submissions from 2 submitters: Uncertain significance (2). Last evaluated 2025-08-22.

Conditions:
Eichsfeld type congenital muscular dystrophy (CMYO3). Also called: Rigid spine muscular dystrophy 1; MYOPATHY, SEPN1-RELATED; SELENON-related myopathy; Congenital myopathy 3 with rigid spine. Identifiers: MedGen C0410180, MONDO:0100100, OMIM 602771.
Inborn genetic diseases. Identifiers: MedGen C0950123, MeSH D030342.

Allele frequency attached by ClinVar (database versions not stated): gnomAD exomes below 0.00001; TOPMed below 0.00001; ExAC 0.00001; gnomAD 0.00001.

Submissions (2):

Ambry Genetics
Classification: Uncertain significance for Inborn genetic diseases. Last evaluated: 2025-08-22. Review status: criteria provided, single submitter. Criteria: Ambry Variant Classification Scheme 2023. Collection method: clinical testing. Allele origin: germline.

Labcorp Genetics (formerly Invitae), Labcorp
Classification: Uncertain significance for Eichsfeld type congenital muscular dystrophy. Last evaluated: 2022-07-06. Review status: criteria provided, single submitter. Criteria: Invitae Variant Classification Sherloc (09022015). Collection method: clinical testing. Allele origin: germline.
Comment: This variant is present in population databases (rs771563318, gnomAD 0.003%). This sequence change replaces arginine, which is basic and polar, with histidine, which is basic and polar, at codon 583 of the SELENON protein (p.Arg583His). This variant has not been reported in the literature in individuals affected with SELENON-related conditions. In summary, the available evidence is currently insufficient to determine the role of this variant in disease. Therefore, it has been classified as a Variant of Uncertain Significance. Algorithms developed to predict the effect of missense changes on protein structure and function are either unavailable or do not agree on the potential impact of this missense change (SIFT: "Deleterious"; PolyPhen-2: "Benign"; Align-GVGD: "Class C0"). ClinVar contains an entry for this variant (Variation ID: 1014001).